The following is an entry in ClinVar:

NM_024675.4(PALB2):c.2174C>T (p.Ser725Leu)

Gene: PALB2 (partner and localizer of BRCA2; minus strand). Cytogenetic location: 16p12.2.
Variant type: single nucleotide variant.
Coding change: c.2174C>T on transcript NM_024675.4 (MANE Select); coding-DNA position 2174, C replaced by T.
Protein change: p.Ser725Leu; replaces serine 725 with leucine.
Molecular consequence: missense variant.
Genome position (GRCh38, 1-based): chr16:23,629,980, G>A on the plus strand (C>T on the coding strand, the complement: PALB2 is on the minus strand). VCF-style: chr16-23629980-G-A. GRCh37 (hg19) VCF-style: chr16-23641301-G-A.
Other names: short protein forms S725L.
Identifiers: ClinVar variation 629584 (VCV000629584.4), dbSNP rs1567217931, ClinGen allele CA395125642.

ClinVar aggregate classification (germline): Uncertain significance (1 of 4 stars; one submission).

Conditions:
Hereditary cancer-predisposing syndrome. Also called: Neoplastic Syndromes, Hereditary; Tumor predisposition; Hereditary neoplastic syndrome; Hereditary Cancer Syndrome. Identifiers: Orphanet 140162, MedGen C0027672, MeSH D009386, MONDO:0015356.

Submission:

Color Diagnostics, LLC DBA Color Health
Classification: Uncertain significance for Hereditary cancer-predisposing syndrome. Last evaluated: 2023-12-04. Review status: criteria provided, single submitter. Criteria: ACMG Guidelines, 2015. Collection method: clinical testing. Allele origin: germline.
Comment: This missense variant replaces serine with leucine at codon 725 of the PALB2 protein. Computational prediction suggests that this variant may not impact protein structure and function (internally defined REVEL score threshold <= 0.5, PMID: 27666373). To our knowledge, functional studies have not been reported for this variant. This variant has not been reported in individuals affected with PALB2-related disorders in the literature. This variant has not been identified in the general population by the Genome Aggregation Database (gnomAD). The available evidence is insufficient to determine the role of this variant in disease conclusively. Therefore, this variant is classified as a Variant of Uncertain Significance.